The following is an entry in ClinVar:

ClinVar aggregate classification (germline): Uncertain significance. Review status: criteria provided, multiple submitters, no conflicts (2 of 4 stars). 3 submissions from 3 submitters: Uncertain significance (3). Last evaluated 2026-01-30.

Conditions:
Hereditary cancer-predisposing syndrome. Also called: Tumor predisposition; Hereditary neoplastic syndrome; Hereditary Cancer Syndrome; Neoplastic Syndromes, Hereditary. Identifiers: Orphanet 140162, MedGen C0027672, MeSH D009386, MONDO:0015356.
Familial adenomatous polyposis 1 (FAP1). Also called: POLYPOSIS, ADENOMATOUS INTESTINAL; FAMILIAL ADENOMATOUS POLYPOSIS 1, ATTENUATED. Identifiers: MedGen C2713442, MONDO:0021056, OMIM 175100. Disease mechanism: loss of function.

Allele frequency attached by ClinVar (database versions not stated): TOPMed below 0.00001.

Submissions (3):

Labcorp Genetics (formerly Invitae), Labcorp
Classification: Uncertain significance for Familial adenomatous polyposis 1. Last evaluated: 2026-01-30. Review status: criteria provided, single submitter. Criteria: Invitae Variant Classification Sherloc (09022015). Collection method: clinical testing. Allele origin: germline.
Comment: This sequence change replaces glutamine, which is neutral and polar, with glutamic acid, which is acidic and polar, at codon 50 of the APC protein (p.Gln50Glu). This variant is not present in population databases (gnomAD no frequency). This variant has not been reported in the literature in individuals affected with APC-related conditions. ClinVar contains an entry for this variant (Variation ID: 1051445). Invitae Evidence Modeling of protein sequence and biophysical properties (such as structural, functional, and spatial information, amino acid conservation, physicochemical variation, residue mobility, and thermodynamic stability) indicates that this missense variant is not expected to disrupt APC protein function with a negative predictive value of 95%. In summary, the available evidence is currently insufficient to determine the role of this variant in disease. Therefore, it has been classified as a Variant of Uncertain Significance.

Ambry Genetics
Classification: Uncertain significance for Hereditary cancer-predisposing syndrome. Last evaluated: 2025-10-22. Review status: criteria provided, single submitter. Criteria: Ambry Variant Classification Scheme 2023. Collection method: clinical testing. Allele origin: germline.
Comment: The p.Q50E variant (also known as c.148C>G), located in coding exon 2 of the APC gene, results from a C to G substitution at nucleotide position 148. The glutamine at codon 50 is replaced by glutamic acid, an amino acid with highly similar properties. This amino acid position is conserved. In addition, in silico predictors for this gene do not accurately predict pathogenicity. Based on the available evidence, the clinical significance of this variant remains unclear.

GeneDx
Classification: Uncertain significance. Last evaluated: 2024-11-05. Review status: criteria provided, single submitter. Criteria: GeneDx Variant Classification Process June 2021. Collection method: clinical testing. Allele origin: germline. Affected: yes.
Comment: Not observed at significant frequency in large population cohorts (gnomAD); In silico analysis indicates that this missense variant does not alter protein structure/function; Has not been previously published as pathogenic or benign to our knowledge; This variant is associated with the following publications: (PMID: 18199528)

NM_000038.6(APC):c.148C>G (p.Gln50Glu)

Gene: APC (APC regulator of Wnt signaling pathway; plus strand). Cytogenetic location: 5q22.2.
Variant type: single nucleotide variant.
Coding change: c.148C>G on transcript NM_000038.6 (MANE Select); coding-DNA position 148, C replaced by G.
Protein change: p.Gln50Glu; replaces glutamine 50 with glutamic acid.
Molecular consequence: missense variant. On other transcripts: 5 prime UTR variant (4).
Genome position (GRCh38, 1-based): chr5:112,766,338, C>G. VCF-style: chr5-112766338-C-G. GRCh37 (hg19) VCF-style: chr5-112102035-C-G.
Other names: c.148C>G (NM_000038.5); c.148C>G, p.Gln50Glu (NM_001127510.3, NM_001354895.2, NM_001354896.2 and 2 more transcripts); c.178C>G, p.Gln60Glu (NM_001127511.3, NM_001354897.2, NM_001354902.2); c.73C>G, p.Gln25Glu (NM_001354898.2, NM_001354904.2); c.-30C>G (NM_001354900.2, NM_001354901.2, NM_001354905.2); c.-888C>G (NM_001354906.2); short protein forms Q25E, Q50E, Q60E.
Identifiers: ClinVar variation 1051445 (VCV001051445.12), dbSNP rs1756316465, ClinGen allele CA16021669.
Genomic context (GRCh38, chr5:112,766,338, plus strand): 5'-TGAAGTTATTTAGAATTTCATGTTAATATATTGTGTTCTTTTTAACAGGAAGTACTTAAA[C>G]AACTACAAGGAAGTATTGAAGATGAAGCTATGGCTTCTTCTGGACAGATTGATTTATTAG-3'
Protein context (NP_000029.2, residues 40-60): EASNMKEVLK[Gln50Glu]LQGSIEDEAM